The following is an entry in ClinVar:

NM_022437.3(ABCG8):c.215A>C (p.Lys72Thr)

Gene: ABCG8 (ATP binding cassette subfamily G member 8; plus strand). Cytogenetic location: 2p21.
Variant type: single nucleotide variant.
Coding change: c.215A>C on transcript NM_022437.3 (MANE Select); coding-DNA position 215, A replaced by C.
Protein change: p.Lys72Thr; replaces lysine 72 with threonine.
Molecular consequence: missense variant.
Genome position (GRCh38, 1-based): chr2:43,846,204, A>C. VCF-style: chr2-43846204-A-C. GRCh37 (hg19) VCF-style: chr2-44073343-A-C.
Other names: c.215A>C, p.Lys72Thr (NM_001357321.2); short protein forms K72T.
Identifiers: ClinVar variation 3419960 (VCV003419960.1).

ClinVar aggregate classification (germline): Uncertain significance (1 of 4 stars; one submission).

Conditions:
Cardiovascular phenotype. Identifiers: MedGen CN230736.

gnomAD v4.1: 11 of 1,614,090 alleles (0.00068%); highest among the groups gnomAD compares: East Asian, 0.0022%; no homozygotes.

Submission:

Ambry Genetics
Classification: Uncertain significance for Cardiovascular phenotype. Last evaluated: 2024-10-15. Review status: criteria provided, single submitter. Criteria: Ambry Variant Classification Scheme 2023. Collection method: clinical testing. Allele origin: germline.
Comment: The p.K72T variant (also known as c.215A>C), located in coding exon 3 of the ABCG8 gene, results from an A to C substitution at nucleotide position 215. The lysine at codon 72 is replaced by threonine, an amino acid with similar properties. This amino acid position is conserved. In addition, the in silico prediction for this alteration is inconclusive. Based on the available evidence, the clinical significance of this variant remains unclear.